The following is an entry in ClinVar:

ClinVar aggregate classification (germline): Uncertain significance (1 of 4 stars; one submission).

Submission:

Women's Health and Genetics/Laboratory Corporation of America, LabCorp
Classification: Uncertain significance. Last evaluated: 2025-04-29. Review status: criteria provided, single submitter. Criteria: LabCorp Variant Classification Summary - May 2015. Collection method: clinical testing. Allele origin: germline.
Comment: Variant summary: The variant involves the duplication of exons 1-2 in the BRCA1 gene. A presumed nomenclature of c.(?_-114)_(80+1_81-1)dup has been designated for the purposes of this classification. It is assumed to be a tandem duplication in direct orientation (PMIDs: 25640679, 30054569). The exact breakpoint at the 5' end of this variant is unknown, therefore this duplication may extend upstream of the annotated region of this gene. It is predicted to duplicate a segment including the initiation codon, therefore its impact on the encoded protein is unknown. A large duplication variant (size 7,307 bp) which encompasses exons 1-2 of the BRCA1 gene was found at a frequency of 1.7e-05 in 120746 control chromosomes in the gnomAD database (Structural Variants dataset v4.1), i.e. it was reported in an apparent homozygote. Of note, this apparent homozygous occurrence can be also consistent with a (heterozygous) tandem triplication (see further details below). The available data on variant occurrences in the general population are insufficient to allow any conclusion about variant significance. The variant, c.(?_-114)_(80+1_81-1)dup, has been reported in the literature in multiple individuals affected with breast- or ovarian cancer (e.g. del Valle_2010, Al-Moundhri_2013, Fachal_2014, Rebbeck_2018, Guan_2015, Gao_2020, Hua_2022), however in none of these cases was cosegregation evidence available. In addition, a tandem triplication of exons 1 and 2 of BRCA1 (size 7259 bp; confirmed by molecular combing) was reported in multiple breast/ovarian cancer families, however the variant did not segregate with the disease, and was classified as benign by the authors based on cosegregation likelihood ratio (LR) calculation (Caputo_2021). The following publications have been ascertained in the context of this evaluation (PMID: 23996866, 24686251, 31825140, 25151137, 29446198, 19894111, 36147908, 34202044). ClinVar contains an entry for this variant (Variation ID: 583578). In conclusion, while it may be assumed that copy gain variants including a larger DNA segment upstream of the gene (i.e. containing the promoter- and other essential regulatory elements) might result in regular transcription initiation leading to an intact protein product, however shorter tandem duplication variants might result in a frameshift or in-frame duplication change causing disease. Since it is not possible to distinguish between these two outcomes in the context of this evaluation, the variant was classified as uncertain significance.

Literature cited by the submitters: PubMed 23996866; PubMed 19894111; PubMed 24686251; PubMed 29446198; PubMed 25151137; PubMed 31825140; PubMed 34202044; PubMed 36147908.

NC_000017.10:g.(41267797_41276033)_(41277382_?)dup

Gene: BRCA1 (BRCA1 DNA repair associated; minus strand). Cytogenetic location: 17q21.31.
Variant type: Duplication.
Identifiers: ClinVar variation 2682581 (VCV002682581.2).